The following is an entry in ClinVar:

NM_001372044.2(SHANK3):c.5306T>G (p.Ile1769Arg)

Gene: SHANK3 (SH3 and multiple ankyrin repeat domains 3; plus strand). Cytogenetic location: 22q13.33.
Variant type: single nucleotide variant.
Coding change: c.5306T>G on transcript NM_001372044.2 (MANE Select); coding-DNA position 5306, T replaced by G.
Protein change: p.Ile1769Arg; replaces isoleucine 1769 with arginine.
Molecular consequence: missense variant.
Genome position (GRCh38, 1-based): chr22:50,731,197, T>G. VCF-style: chr22-50731197-T-G. GRCh37 (hg19) VCF-style: chr22-51169625-T-G.
Other names: c.5081T>G, p.Ile1694Arg (NM_033517.1); short protein forms I1694R, I1769R.
Identifiers: ClinVar variation 2580767 (VCV002580767.1), dbSNP rs2518439785, ClinGen allele CA515267906.

ClinVar aggregate classification (germline): Pathogenic (1 of 4 stars; one submission).

Submission:

GeneDx
Classification: Pathogenic. Last evaluated: 2023-09-17. Review status: criteria provided, single submitter. Criteria: GeneDx Variant Classification Process June 2021. Collection method: clinical testing. Allele origin: germline. Affected: yes.
Comment: Not observed in large population cohorts (gnomAD); In silico analysis, which includes protein predictors and evolutionary conservation, supports a deleterious effect; Has not been previously published as pathogenic or benign to our knowledge